The following is an entry in ClinVar:

ClinVar aggregate classification (germline): Uncertain significance. Review status: criteria provided, multiple submitters, no conflicts (2 of 4 stars). 2 submissions from 2 submitters: Uncertain significance (2). Last evaluated 2024-06-22.

Conditions:
Spinocerebellar ataxia, autosomal recessive, with axonal neuropathy 2 (SCAN2). Also called: Ataxia with Oculomotor Apraxia; Ataxia with Oculomotor Apraxia Type 2; ATAXIA-OCULOMOTOR APRAXIA 2; Ataxia-ocular apraxia-2. Identifiers: Orphanet 64753, MedGen C1853761, MONDO:0018996, OMIM 606002.
Amyotrophic lateral sclerosis type 4 (ALS4). Also called: AMYOTROPHIC LATERAL SCLEROSIS 4, JUVENILE; NEURONOPATHY, DISTAL HEREDITARY MOTOR, WITH PYRAMIDAL FEATURES. Identifiers: Orphanet 357043, MedGen C1865409, MONDO:0011223, OMIM 602433.

Allele frequency attached by ClinVar (database versions not stated): gnomAD exomes below 0.00001.
gnomAD v4.1: 1 of 1,614,222 alleles (0.000062%); highest among the groups gnomAD compares: Non-Finnish European, 0.000085%; no homozygotes.

Submissions (2):

Labcorp Genetics (formerly Invitae), Labcorp
Classification: Uncertain significance for Amyotrophic lateral sclerosis type 4; Spinocerebellar ataxia, autosomal recessive, with axonal neuropathy 2. Last evaluated: 2024-06-22. Review status: criteria provided, single submitter. Criteria: Invitae Variant Classification Sherloc (09022015). Collection method: clinical testing. Allele origin: germline.
Comment: This sequence change replaces leucine, which is neutral and non-polar, with phenylalanine, which is neutral and non-polar, at codon 1706 of the SETX protein (p.Leu1706Phe). This variant is not present in population databases (gnomAD no frequency). This variant has not been reported in the literature in individuals affected with SETX-related conditions. ClinVar contains an entry for this variant (Variation ID: 2659651). Advanced modeling of protein sequence and biophysical properties (such as structural, functional, and spatial information, amino acid conservation, physicochemical variation, residue mobility, and thermodynamic stability) has been performed at Invitae for this missense variant, however the output from this modeling did not meet the statistical confidence thresholds required to predict the impact of this variant on SETX protein function. In summary, the available evidence is currently insufficient to determine the role of this variant in disease. Therefore, it has been classified as a Variant of Uncertain Significance.

CeGaT Center for Human Genetics Tuebingen
Classification: Uncertain significance. Last evaluated: 2023-04-01. Review status: criteria provided, single submitter. Criteria: CeGaT Center For Human Genetics Tuebingen Variant Classification Criteria Version 2. Collection method: clinical testing. Allele origin: germline. Affected: yes. Observed: 1 variant allele.
Comment: SETX: PM2

NM_015046.7(SETX):c.5118A>C (p.Leu1706Phe)

Gene: SETX (senataxin; minus strand). Cytogenetic location: 9q34.13.
Variant type: single nucleotide variant.
Coding change: c.5118A>C on transcript NM_015046.7 (MANE Select); coding-DNA position 5118, A replaced by C.
Protein change: p.Leu1706Phe; replaces leucine 1706 with phenylalanine.
Molecular consequence: missense variant.
Genome position (GRCh38, 1-based): chr9:132,326,480, T>G on the plus strand (A>C on the coding strand, the complement: SETX is on the minus strand). VCF-style: chr9-132326480-T-G. GRCh37 (hg19) VCF-style: chr9-135201867-T-G.
Other names: c.5118A>C, p.Leu1706Phe (NM_001351527.2, NM_001351528.2); short protein forms L1706F.
Identifiers: ClinVar variation 2659651 (VCV002659651.26), dbSNP rs2539087773, ClinGen allele CA375322057.